The following is an entry in ClinVar:

NM_020832.3(ZNF687):c.3374T>C (p.Met1125Thr)

Gene: ZNF687 (zinc finger protein 687; plus strand). Cytogenetic location: 1q21.3.
Variant type: single nucleotide variant.
Coding change: c.3374T>C on transcript NM_020832.3 (MANE Select); coding-DNA position 3374, T replaced by C.
Protein change: p.Met1125Thr; replaces methionine 1125 with threonine.
Molecular consequence: missense variant.
Genome position (GRCh38, 1-based): chr1:151,290,869, T>C. VCF-style: chr1-151290869-T-C. GRCh37 (hg19) VCF-style: chr1-151263345-T-C.
Other names: c.3374T>C, p.Met1125Thr (NM_001304763.2, NM_001304764.2); c.3374T>C (NM_020832.1); short protein forms M1125T.
Identifiers: ClinVar variation 3609703 (VCV003609703.3).
Genomic context (GRCh38, chr1:151,290,869, plus strand): 5'-GATCTGGAGGCCATGGCCCTCTGCGCTACCGGAGCAGCAGCTCCACAGAACAGAGCCTCA[T>C]GATGGGGTTGAGGGTGGAGGATGGTGCCCAGCAGTGCCTCGACTGTGGCTTGTGCTTTGC-3'
Protein context (NP_065883.1, residues 1115-1135): RSSSSTEQSL[Met1125Thr]MGLRVEDGAQ

ClinVar aggregate classification (germline): Uncertain significance. Review status: criteria provided, multiple submitters, no conflicts (2 of 4 stars). 2 submissions from 2 submitters: Uncertain significance (2). Last evaluated 2025-11-23.

Submissions (2):

Ambry Genetics
Classification: Uncertain significance. Last evaluated: 2025-11-23. Review status: criteria provided, single submitter. Criteria: Ambry Variant Classification Scheme 2023. Collection method: clinical testing. Allele origin: germline.

Labcorp Genetics (formerly Invitae), Labcorp
Classification: Uncertain significance. Last evaluated: 2024-11-26. Review status: criteria provided, single submitter. Criteria: Invitae Variant Classification Sherloc (09022015). Collection method: clinical testing. Allele origin: germline.
Comment: This sequence change replaces methionine, which is neutral and non-polar, with threonine, which is neutral and polar, at codon 1125 of the ZNF687 protein (p.Met1125Thr). This variant is present in population databases (rs587642451, gnomAD 0.01%). This variant has not been reported in the literature in individuals affected with ZNF687-related conditions. An algorithm developed to predict the effect of missense changes on protein structure and function (PolyPhen-2) suggests that this variant is likely to be tolerated. In summary, the available evidence is currently insufficient to determine the role of this variant in disease. Therefore, it has been classified as a Variant of Uncertain Significance.